The following is an entry in ClinVar:

NM_012062.5(DNM1L):c.966C>T (p.Tyr322=)

Gene: DNM1L (dynamin 1L; plus strand). Cytogenetic location: 12p11.21.
Variant type: single nucleotide variant.
Coding change: c.966C>T on transcript NM_012062.5 (MANE Select); coding-DNA position 966, C replaced by T.
Protein change: p.Tyr322=; no amino-acid change (tyrosine 322 retained).
Molecular consequence: synonymous variant.
Genome position (GRCh38, 1-based): chr12:32,722,520, C>T. VCF-style: chr12-32722520-C-T. GRCh37 (hg19) VCF-style: chr12-32875454-C-T.
Other names: p.Y322Y:TAC>TAT; c.966C>T, p.Tyr322= (NM_001278463.2, NM_005690.5, NM_012063.4); c.1005C>T, p.Tyr335= (NM_001278464.2, NM_001278465.2, NM_001330380.2); c.357C>T, p.Tyr119= (NM_001278466.2).
Identifiers: ClinVar variation 137126 (VCV000137126.52), dbSNP rs118169466, ClinGen allele CA290648.

ClinVar aggregate classification (germline): Benign/Likely benign. Review status: criteria provided, multiple submitters, no conflicts (2 of 4 stars). 5 submissions from 5 submitters: Benign (3); Likely benign (1). 1 of the submissions does not count toward it. Last evaluated 2026-09-01.

Allele frequency attached by ClinVar (database versions not stated): 1000 Genomes Project 0.00220; 1000 Genomes Project 30x 0.00234; gnomAD 0.00464; TOPMed 0.00483; ExAC 0.00512; gnomAD exomes 0.00520 and 0.00810; ESP Exome Variant Server 0.00554.
gnomAD v4.1: 12,493 of 1,613,312 alleles (0.77%); highest among the groups gnomAD compares: Non-Finnish European, 0.95%; 62 homozygotes.

Submissions (5):

CeGaT Center for Human Genetics Tuebingen
Classification: Likely benign. Last evaluated: 2026-09-01. Review status: criteria provided, single submitter. Criteria: CeGaT Center For Human Genetics Tuebingen Variant Classification Criteria Version 2. Collection method: clinical testing. Allele origin: germline. Affected: yes. Observed: 53 variant alleles.
Comment: DNM1L: BP4, BP7, BS2

Labcorp Genetics (formerly Invitae), Labcorp
Classification: Benign. Last evaluated: 2026-02-03. Review status: criteria provided, single submitter. Criteria: Invitae Variant Classification Sherloc (09022015). Collection method: clinical testing. Allele origin: germline.

ARUP Laboratories, Molecular Genetics and Genomics, ARUP Laboratories
Classification: Benign. Last evaluated: 2024-02-12. Review status: criteria provided, single submitter. Criteria: ARUP Molecular Germline Variant Investigation Process 2024. Collection method: clinical testing. Allele origin: germline.

GeneDx
Classification: Benign. Last evaluated: 2014-03-25. Review status: criteria provided, single submitter. Criteria: GeneDx Variant Classification (06012015). Collection method: clinical testing. Allele origin: germline. Affected: yes.
Comment: This variant is considered likely benign or benign based on one or more of the following criteria: it is a conservative change, it occurs at a poorly conserved position in the protein, it is predicted to be benign by multiple in silico algorithms, and/or has population frequency not consistent with disease.

Mayo Clinic Laboratories, Mayo Clinic
Classification: Likely benign. Last evaluated: 2016-03-08. Review status: no assertion criteria provided. Collection method: clinical testing. Allele origin: unknown. Not counted in ClinVar's aggregate classification.